The following is an entry in ClinVar:

NM_000057.4(BLM):c.555A>T (p.Lys185Asn)

Gene: BLM (BLM RecQ like helicase; plus strand). Cytogenetic location: 15q26.1.
Variant type: single nucleotide variant.
Coding change: c.555A>T on transcript NM_000057.4 (MANE Select); coding-DNA position 555, A replaced by T.
Protein change: p.Lys185Asn; replaces lysine 185 with asparagine.
Molecular consequence: missense variant. On other transcripts: 5 prime UTR variant (1).
Genome position (GRCh38, 1-based): chr15:90,749,823, A>T. VCF-style: chr15-90749823-A-T. GRCh37 (hg19) VCF-style: chr15-91293053-A-T.
Other names: c.555A>T, p.Lys185Asn (NM_001287246.2, NM_001287247.2); c.-737A>T (NM_001287248.2); c.555A>T (NM_000057.2); short protein forms K185N.
Identifiers: ClinVar variation 863186 (VCV000863186.13), dbSNP rs766947105, ClinGen allele CA7738311.

ClinVar aggregate classification (germline): Uncertain significance. Review status: criteria provided, multiple submitters, no conflicts (2 of 4 stars). 3 submissions from 3 submitters: Uncertain significance (2). 1 of the submissions does not count toward it. Last evaluated 2025-12-10.

Conditions:
Bloom syndrome (BLM). Also called: Bloom-Torre-Machacek syndrome. Identifiers: Orphanet 125, MedGen C0005859, MONDO:0008876, OMIM 210900.
Hereditary cancer-predisposing syndrome. Also called: Hereditary Cancer Syndrome; Tumor predisposition; Neoplastic Syndromes, Hereditary; Hereditary neoplastic syndrome. Identifiers: Orphanet 140162, MedGen C0027672, MeSH D009386, MONDO:0015356.

Allele frequency attached by ClinVar (database versions not stated): TOPMed below 0.00001; gnomAD 0.00001; gnomAD exomes 0.00001; ExAC 0.00002.
gnomAD v4.1: 5 of 1,595,784 alleles (0.00031%); highest among the groups gnomAD compares: Non-Finnish European, 0.00043%; no homozygotes.

Submissions (3):

Labcorp Genetics (formerly Invitae), Labcorp
Classification: Uncertain significance for Bloom syndrome. Last evaluated: 2025-12-10. Review status: criteria provided, single submitter. Criteria: Invitae Variant Classification Sherloc (09022015). Collection method: clinical testing. Allele origin: germline.
Comment: This sequence change replaces lysine, which is basic and polar, with asparagine, which is neutral and polar, at codon 185 of the BLM protein (p.Lys185Asn). This variant is present in population databases (rs766947105, gnomAD 0.002%). This variant has not been reported in the literature in individuals affected with BLM-related conditions. ClinVar contains an entry for this variant (Variation ID: 863186). An algorithm developed to predict the effect of missense changes on protein structure and function (PolyPhen-2) suggests that this variant is likely to be disruptive. In summary, the available evidence is currently insufficient to determine the role of this variant in disease. Therefore, it has been classified as a Variant of Uncertain Significance.

Ambry Genetics
Classification: Uncertain significance for Hereditary cancer-predisposing syndrome. Last evaluated: 2025-04-09. Review status: criteria provided, single submitter. Criteria: Ambry Variant Classification Scheme 2023. Collection method: clinical testing. Allele origin: germline.
Comment: The p.K185N variant (also known as c.555A>T), located in coding exon 2 of the BLM gene, results from an A to T substitution at nucleotide position 555. The lysine at codon 185 is replaced by asparagine, an amino acid with similar properties. This amino acid position is well conserved in available vertebrate species. In addition, this alteration is predicted to be tolerated by in silico analysis. Since supporting evidence is limited at this time, the clinical significance of this alteration remains unclear.

Natera, Inc.
Classification: Uncertain significance for Bloom syndrome. Last evaluated: 2018-07-06. Review status: no assertion criteria provided. Collection method: clinical testing. Allele origin: germline. Not counted in ClinVar's aggregate classification.